The following is an entry in ClinVar:

NM_005762.3(TRIM28):c.723-3C>T

Gene: TRIM28 (tripartite motif containing 28; plus strand). Cytogenetic location: 19q13.43.
Variant type: single nucleotide variant.
Coding change: c.723-3C>T on transcript NM_005762.3 (MANE Select); 3 bases into the intron before coding-DNA position 723, C replaced by T.
Molecular consequence: intron variant.
Genome position (GRCh38, 1-based): chr19:58,547,594, C>T. VCF-style: chr19-58547594-C-T. GRCh37 (hg19) VCF-style: chr19-59058961-C-T.
Identifiers: ClinVar variation 3662997 (VCV003662997.2).

ClinVar aggregate classification (germline): Uncertain significance (1 of 4 stars; one submission).

gnomAD v4.1: 61 of 1,613,874 alleles (0.0038%); highest among the groups gnomAD compares: Middle Eastern, 0.15%; no homozygotes.

Submission:

Labcorp Genetics (formerly Invitae), Labcorp
Classification: Uncertain significance. Last evaluated: 2024-07-03. Review status: criteria provided, single submitter. Criteria: Invitae Variant Classification Sherloc (09022015). Collection method: clinical testing. Allele origin: germline.
Comment: This sequence change falls in intron 4 of the TRIM28 gene. It does not directly change the encoded amino acid sequence of the TRIM28 protein. It affects a nucleotide within the consensus splice site. This variant is present in population databases (rs768831544, gnomAD 0.04%), and has an allele count higher than expected for a pathogenic variant. This variant has not been reported in the literature in individuals affected with TRIM28-related conditions. Variants that disrupt the consensus splice site are a relatively common cause of aberrant splicing (PMID: 17576681, 9536098). Experimental studies and prediction algorithms are not available or were not evaluated, and the effect of this variant on mRNA splicing is currently unknown. In summary, the available evidence is currently insufficient to determine the role of this variant in disease. Therefore, it has been classified as a Variant of Uncertain Significance.

Literature cited by the submitters: PubMed 17576681; PubMed 9536098.